The following is an entry in ClinVar:

ClinVar aggregate classification (germline): Uncertain significance (1 of 4 stars; one submission).

Conditions:
Vici syndrome (VICIS). Identifiers: Orphanet 1493, MedGen C1855772, MONDO:0009452, OMIM 242840.

Allele frequency attached by ClinVar (database versions not stated): gnomAD exomes below 0.00001.
gnomAD v4.1: 2 of 1,614,168 alleles (0.00012%); highest among the groups gnomAD compares: Non-Finnish European, 0.000085%; no homozygotes.

Submission:

Labcorp Genetics (formerly Invitae), Labcorp
Classification: Uncertain significance for Vici syndrome. Last evaluated: 2022-05-21. Review status: criteria provided, single submitter. Criteria: Invitae Variant Classification Sherloc (09022015). Collection method: clinical testing. Allele origin: germline.
Comment: In summary, the available evidence is currently insufficient to determine the role of this variant in disease. Therefore, it has been classified as a Variant of Uncertain Significance. Algorithms developed to predict the effect of missense changes on protein structure and function are either unavailable or do not agree on the potential impact of this missense change (SIFT: "Tolerated"; PolyPhen-2: "Probably Damaging"; Align-GVGD: "Class C0"). This variant has not been reported in the literature in individuals affected with EPG5-related conditions. This variant is present in population databases (no rsID available, gnomAD 0.01%). This sequence change replaces glutamic acid, which is acidic and polar, with glutamine, which is neutral and polar, at codon 2336 of the EPG5 protein (p.Glu2336Gln).

NM_020964.3(EPG5):c.7006G>C (p.Glu2336Gln)

Gene: EPG5 (ectopic P-granules 5 autophagy tethering factor; minus strand). Cytogenetic location: 18q12.3.
Variant type: single nucleotide variant.
Coding change: c.7006G>C on transcript NM_020964.3 (MANE Select); coding-DNA position 7006, G replaced by C.
Protein change: p.Glu2336Gln; replaces glutamic acid 2336 with glutamine.
Molecular consequence: missense variant.
Genome position (GRCh38, 1-based): chr18:45,860,107, C>G on the plus strand (G>C on the coding strand, the complement: EPG5 is on the minus strand). VCF-style: chr18-45860107-C-G. GRCh37 (hg19) VCF-style: chr18-43440072-C-G.
Other names: c.7006G>C, p.Glu2336Gln (NM_001410858.1); c.7003G>C, p.Glu2335Gln (NM_001410859.1); short protein forms E2335Q, E2336Q.
Identifiers: ClinVar variation 2132878 (VCV002132878.2), dbSNP rs1392366444, ClinGen allele CA402337116.